The following is an entry in ClinVar:

NM_002857.4(PEX19):c.128C>T (p.Thr43Met)

Gene: PEX19 (peroxisomal biogenesis factor 19; minus strand). Cytogenetic location: 1q23.2.
Variant type: single nucleotide variant.
Coding change: c.128C>T on transcript NM_002857.4 (MANE Select); coding-DNA position 128, C replaced by T.
Protein change: p.Thr43Met; replaces threonine 43 with methionine.
Molecular consequence: missense variant. On other transcripts: non-coding transcript variant (1).
Genome position (GRCh38, 1-based): chr1:160,283,582, G>A on the plus strand (C>T on the coding strand, the complement: PEX19 is on the minus strand). VCF-style: chr1-160283582-G-A. GRCh37 (hg19) VCF-style: chr1-160253372-G-A.
Other names: c.128C>T, p.Thr43Met (NM_001193644.1); short protein forms T43M.
Identifiers: ClinVar variation 1969962 (VCV001969962.3), dbSNP rs771998056, ClinGen allele CA1197468.

ClinVar aggregate classification (germline): Uncertain significance (1 of 4 stars; one submission).

Conditions:
Peroxisome biogenesis disorder 12A (Zellweger). Also called: Peroxisome biogenesis disorder 12A. Identifiers: Orphanet 912, MedGen C3554002, MONDO:0013951, OMIM 614886.

Allele frequency attached by ClinVar (database versions not stated): ExAC 0.00001; gnomAD 0.00001; gnomAD exomes 0.00001; TOPMed 0.00001.

Submission:

Labcorp Genetics (formerly Invitae), Labcorp
Classification: Uncertain significance for Peroxisome biogenesis disorder 12A (Zellweger). Last evaluated: 2022-04-24. Review status: criteria provided, single submitter. Criteria: Invitae Variant Classification Sherloc (09022015). Collection method: clinical testing. Allele origin: germline.
Comment: Algorithms developed to predict the effect of missense changes on protein structure and function are either unavailable or do not agree on the potential impact of this missense change (SIFT: "Deleterious"; PolyPhen-2: "Benign"; Align-GVGD: "Class C0"). This variant has not been reported in the literature in individuals affected with PEX19-related conditions. This variant is present in population databases (rs771998056, gnomAD 0.0009%). This sequence change replaces threonine, which is neutral and polar, with methionine, which is neutral and non-polar, at codon 43 of the PEX19 protein (p.Thr43Met). In summary, the available evidence is currently insufficient to determine the role of this variant in disease. Therefore, it has been classified as a Variant of Uncertain Significance.